The following is an entry in ClinVar:

ClinVar aggregate classification (germline): Uncertain significance (1 of 4 stars; one submission).

Allele frequency attached by ClinVar (database versions not stated): gnomAD exomes below 0.00001.
gnomAD v4.1: 6 of 1,613,938 alleles (0.00037%); highest among the groups gnomAD compares: African/African-American, 0.0053%; no homozygotes.

Submission:

Labcorp Genetics (formerly Invitae), Labcorp
Classification: Uncertain significance. Last evaluated: 2025-05-10. Review status: criteria provided, single submitter. Criteria: Invitae Variant Classification Sherloc (09022015). Collection method: clinical testing. Allele origin: germline.
Comment: This sequence change replaces valine, which is neutral and non-polar, with alanine, which is neutral and non-polar, at codon 1431 of the MYH3 protein (p.Val1431Ala). This variant is not present in population databases (gnomAD no frequency). This variant has not been reported in the literature in individuals affected with MYH3-related conditions. ClinVar contains an entry for this variant (Variation ID: 1356765). Invitae Evidence Modeling of protein sequence and biophysical properties (such as structural, functional, and spatial information, amino acid conservation, physicochemical variation, residue mobility, and thermodynamic stability) indicates that this missense variant is not expected to disrupt MYH3 protein function with a negative predictive value of 95%. In summary, the available evidence is currently insufficient to determine the role of this variant in disease. Therefore, it has been classified as a Variant of Uncertain Significance.

NM_002470.4(MYH3):c.4292T>C (p.Val1431Ala)

Gene: MYH3 (myosin heavy chain 3; minus strand). Cytogenetic location: 17p13.1.
Variant type: single nucleotide variant.
Coding change: c.4292T>C on transcript NM_002470.4 (MANE Select); coding-DNA position 4292, T replaced by C.
Protein change: p.Val1431Ala; replaces valine 1431 with alanine.
Molecular consequence: missense variant.
Genome position (GRCh38, 1-based): chr17:10,634,904, A>G on the plus strand (T>C on the coding strand, the complement: MYH3 is on the minus strand). VCF-style: chr17-10634904-A-G. GRCh37 (hg19) VCF-style: chr17-10538221-A-G.
Other names: short protein forms V1431A.
Identifiers: ClinVar variation 1356765 (VCV001356765.6), dbSNP rs2074198754, ClinGen allele CA398144143.